The following is an entry in ClinVar:

NM_005219.5(DIAPH1):c.2701C>G (p.Pro901Ala)

Gene: DIAPH1 (diaphanous related formin 1; minus strand). Cytogenetic location: 5q31.3.
Variant type: single nucleotide variant.
Coding change: c.2701C>G on transcript NM_005219.5 (MANE Select); coding-DNA position 2701, C replaced by G.
Protein change: p.Pro901Ala; replaces proline 901 with alanine.
Molecular consequence: missense variant.
Genome position (GRCh38, 1-based): chr5:141,529,249, G>C on the plus strand (C>G on the coding strand, the complement: DIAPH1 is on the minus strand). VCF-style: chr5-141529249-G-C. GRCh37 (hg19) VCF-style: chr5-140908816-G-C.
Other names: c.2674C>G, p.Pro892Ala (NM_001079812.3); c.2701C>G, p.Pro901Ala (NM_001314007.2); short protein forms P892A, P901A.
Identifiers: ClinVar variation 2924156 (VCV002924156.3), dbSNP rs778611148, ClinGen allele CA361586011.

ClinVar aggregate classification (germline): Uncertain significance (1 of 4 stars; one submission).

Conditions:
Progressive microcephaly-seizures-cortical blindness-developmental delay syndrome. Also called: Seizures, cortical blindness, and microcephaly syndrome. Identifiers: Orphanet 477814, MedGen C5567650, MONDO:0014714, OMIM 616632.
Autosomal dominant nonsyndromic hearing loss 1. Also called: DEAFNESS, AUTOSOMAL DOMINANT 1, WITH OR WITHOUT THROMBOCYTOPENIA; KONIGSMARK SYNDROME. Identifiers: Orphanet 90635, MedGen C1852282, MONDO:0007424, OMIM 124900.

gnomAD v4.1: 2 of 1,614,086 alleles (0.00012%); highest among the groups gnomAD compares: South Asian, 0.0011%; no homozygotes.

Submission:

Labcorp Genetics (formerly Invitae), Labcorp
Classification: Uncertain significance for Progressive microcephaly-seizures-cortical blindness-developmental delay syndrome; Autosomal dominant nonsyndromic hearing loss 1. Last evaluated: 2024-11-26. Review status: criteria provided, single submitter. Criteria: Invitae Variant Classification Sherloc (09022015). Collection method: clinical testing. Allele origin: germline.
Comment: This sequence change replaces proline, which is neutral and non-polar, with alanine, which is neutral and non-polar, at codon 901 of the DIAPH1 protein (p.Pro901Ala). This variant is not present in population databases (gnomAD no frequency). This variant has not been reported in the literature in individuals affected with DIAPH1-related conditions. ClinVar contains an entry for this variant (Variation ID: 2924156). An algorithm developed to predict the effect of missense changes on protein structure and function (PolyPhen-2) suggests that this variant is likely to be tolerated. In summary, the available evidence is currently insufficient to determine the role of this variant in disease. Therefore, it has been classified as a Variant of Uncertain Significance.